The following is an entry in ClinVar:

ClinVar aggregate classification (germline): Uncertain significance. Review status: criteria provided, multiple submitters, no conflicts (2 of 4 stars). 3 submissions from 3 submitters: Uncertain significance (3). Last evaluated 2025-06-22.

Conditions:
Episodic ataxia type 2 (EA2). Also called: ACETAZOLAMIDE-RESPONSIVE HEREDITARY PAROXYSMAL CEREBELLAR ATAXIA; ATAXIA, EPISODIC, WITH NYSTAGMUS; ATAXIA, FAMILIAL PAROXYSMAL; CEREBELLAR ATAXIA, PAROXYSMAL, ACETAZOLAMIDE-RESPONSIVE; CEREBELLOPATHY, HEREDITARY PAROXYSMAL; EPISODIC ATAXIA, NYSTAGMUS-ASSOCIATED. Identifiers: Orphanet 97, MedGen C1720416, MONDO:0007163, OMIM 108500.
Developmental and epileptic encephalopathy, 42 (DEE42A). Also called: DEVELOPMENTAL AND EPILEPTIC ENCEPHALOPATHY 42A; EPILEPTIC ENCEPHALOPATHY, EARLY INFANTILE, 42A; Epileptic encephalopathy, early infantile, 42. Identifiers: MedGen C4310716, MONDO:0014917, OMIM 617106.
Inborn genetic diseases. Identifiers: MedGen C0950123, MeSH D030342.

Allele frequency attached by ClinVar (database versions not stated): TOPMed below 0.00001; gnomAD 0.00001; gnomAD exomes 0.00001.
gnomAD v4.1: 18 of 1,558,368 alleles (0.0012%); highest among the groups gnomAD compares: Non-Finnish European, 0.0014%; no homozygotes.

Submissions (3):

Labcorp Genetics (formerly Invitae), Labcorp
Classification: Uncertain significance for Developmental and epileptic encephalopathy, 42; Episodic ataxia type 2. Last evaluated: 2025-06-22. Review status: criteria provided, single submitter. Criteria: Invitae Variant Classification Sherloc (09022015). Collection method: clinical testing. Allele origin: germline.
Comment: This sequence change replaces serine, which is neutral and polar, with leucine, which is neutral and non-polar, at codon 2249 of the CACNA1A protein (p.Ser2249Leu). This variant is not present in population databases (gnomAD no frequency). This missense change has been observed in individual(s) with seizures (PMID: 40111503). This variant is also known as c.6743C>T (p.Ser2248Leu). ClinVar contains an entry for this variant (Variation ID: 1514365). Invitae Evidence Modeling of protein sequence and biophysical properties (such as structural, functional, and spatial information, amino acid conservation, physicochemical variation, residue mobility, and thermodynamic stability) indicates that this missense variant is not expected to disrupt CACNA1A protein function with a negative predictive value of 95%. In summary, the available evidence is currently insufficient to determine the role of this variant in disease. Therefore, it has been classified as a Variant of Uncertain Significance.

CeGaT Center for Human Genetics Tuebingen
Classification: Uncertain significance. Last evaluated: 2024-09-01. Review status: criteria provided, single submitter. Criteria: CeGaT Center For Human Genetics Tuebingen Variant Classification Criteria Version 2. Collection method: clinical testing. Allele origin: germline. Affected: yes. Observed: 3 variant alleles.
Comment: CACNA1A: PM2:Supporting, PP2, PP3

Ambry Genetics
Classification: Uncertain significance for Inborn genetic diseases. Last evaluated: 2022-06-30. Review status: criteria provided, single submitter. Criteria: Ambry Variant Classification Scheme 2023. Collection method: clinical testing. Allele origin: germline.

Literature cited by the submitters: PubMed 40111503 (cited by Labcorp Genetics (formerly Invitae), Labcorp).

NM_001127222.2(CACNA1A):c.6743C>T (p.Ser2248Leu)

Genes: CACNA1A (calcium voltage-gated channel subunit alpha1 A; minus strand), LOC130063717 (ATAC-STARR-seq lymphoblastoid silent region 10203; plus strand). Cytogenetic location: 19p13.13.
Variant type: single nucleotide variant.
Coding change: c.6743C>T on transcript NM_001127222.2 (MANE Select); coding-DNA position 6743, C replaced by T.
Protein change: p.Ser2248Leu; replaces serine 2248 with leucine.
Molecular consequence: missense variant.
Genome position (GRCh38, 1-based): chr19:13,208,793, G>A on the plus strand (C>T on the coding strand, the complement: CACNA1A is on the minus strand). VCF-style: chr19-13208793-G-A. GRCh37 (hg19) VCF-style: chr19-13319607-G-A.
Other names: c.6761C>T, p.Ser2254Leu (NM_000068.4, NM_023035.3); c.6746C>T, p.Ser2249Leu (NM_001127221.2); c.6752C>T, p.Ser2251Leu (NM_001174080.2); c.6746C>T (NM_001127221.1); short protein forms S2249L, S2254L, S2248L, S2251L.
Identifiers: ClinVar variation 1514365 (VCV001514365.34), dbSNP rs1274796380, ClinGen allele CA404329457.
Genomic context (GRCh38, chr19:13,208,793, plus strand): 5'-GGGTCACTTGCAGCCGCACCCACCTGCCGGTGCGCCATGTGCTCTCGGCCCTCGCTGGGC[G>A]AGCGGGACCAGCGCTGGTCCCGAGCCCGTGCCCGGCCGTGGTCCGGCCGTTCCTGGGCAT-3'
Protein context (NP_001120694.1, residues 2238-2258): ARARDQRWSR[Ser2248Leu]PSEGREHMAH